The following is an entry in ClinVar:

ClinVar aggregate classification (germline): Uncertain significance. Review status: criteria provided, multiple submitters, no conflicts (2 of 4 stars). 2 submissions from 2 submitters: Uncertain significance (2). Last evaluated 2023-12-10.

Conditions:
Ehlers-Danlos syndrome, classic type, 1 (EDSCL1). Also called: Ehlers-Danlos syndrome, type 1; Ehlers-Danlos Syndrome, Classic Type, COL5A1-Related; EDS I; EHLERS-DANLOS SYNDROME, GRAVIS TYPE; EHLERS-DANLOS SYNDROME, SEVERE CLASSIC TYPE. Identifiers: MedGen C0268335, MONDO:0019567, OMIM 130000.

Allele frequency attached by ClinVar (database versions not stated): TOPMed below 0.00001.

Submissions (2):

Labcorp Genetics (formerly Invitae), Labcorp
Classification: Uncertain significance for Ehlers-Danlos syndrome, classic type, 1. Last evaluated: 2023-12-10. Review status: criteria provided, single submitter. Criteria: Invitae Variant Classification Sherloc (09022015). Collection method: clinical testing. Allele origin: germline.
Comment: This sequence change replaces proline, which is neutral and non-polar, with alanine, which is neutral and non-polar, at codon 259 of the COL5A1 protein (p.Pro259Ala). This variant is not present in population databases (gnomAD no frequency). This variant has not been reported in the literature in individuals affected with COL5A1-related conditions. ClinVar contains an entry for this variant (Variation ID: 1804904). Advanced modeling of protein sequence and biophysical properties (such as structural, functional, and spatial information, amino acid conservation, physicochemical variation, residue mobility, and thermodynamic stability) performed at Invitae indicates that this missense variant is not expected to disrupt COL5A1 protein function with a negative predictive value of 95%. In summary, the available evidence is currently insufficient to determine the role of this variant in disease. Therefore, it has been classified as a Variant of Uncertain Significance.

Victorian Clinical Genetics Services, Murdoch Childrens Research Institute
Classification: Uncertain significance for Ehlers-Danlos syndrome, classic type, 1. Last evaluated: 2020-10-19. Review status: criteria provided, single submitter. Criteria: ACMG Guidelines, 2015. Collection method: clinical testing. Allele origin: germline. Inheritance: Autosomal dominant inheritance.
Comment: Based on the classification scheme VCGS_Germline_v1.3.3, this variant is classified as VUS - 3B. Following criteria are met: 0102 - Loss of function is a known mechanism of disease in this gene and is associated with Ehlers-Danlos syndrome, classic type, 1. However dominant negative is a likely mechanism of glycine missense variants within triple helical repeats (PMID: 23587214). (I) 0107 - This gene is associated with autosomal dominant disease. (I) 0200 - Variant is predicted to result in a missense amino acid change from proline to alanine. (I) 0251 - This variant is heterozygous. (I) 0301 - Variant is absent from gnomAD (both v2 and v3). (SP) 0502 - Missense variant with conflicting in silico predictions and uninformative conservation. (I) 0604 - Variant is not located in an established domain, motif, hotspot or informative constraint region. (I) 0705 - No comparable missense variants have previous evidence for pathogenicity. (I) 0807 - This variant has no previous evidence of pathogenicity. (I) 0905 - No published segregation evidence has been identified for this variant. (I) 1007 - No published functional evidence has been identified for this variant. (I) 1208 - Inheritance information for this variant is not currently available in this individual. (I) Legend: (SP) - Supporting pathogenic, (I) - Information, (SB) - Supporting benign

Literature cited by the submitters: PubMed 23587214 (cited by Victorian Clinical Genetics Services, Murdoch Childrens Research Institute).

NM_000093.5(COL5A1):c.775C>G (p.Pro259Ala)

Gene: COL5A1 (collagen type V alpha 1 chain; plus strand). Cytogenetic location: 9q34.3.
Variant type: single nucleotide variant.
Coding change: c.775C>G on transcript NM_000093.5 (MANE Select); coding-DNA position 775, C replaced by G.
Protein change: p.Pro259Ala; replaces proline 259 with alanine.
Molecular consequence: missense variant.
Genome position (GRCh38, 1-based): chr9:134,727,386, C>G. VCF-style: chr9-134727386-C-G. GRCh37 (hg19) VCF-style: chr9-137619232-C-G.
Other names: c.775C>G, p.Pro259Ala (NM_001278074.1); short protein forms P259A.
Identifiers: ClinVar variation 1804904 (VCV001804904.3), dbSNP rs955050889, ClinGen allele CA201106547.